The following is an entry in ClinVar:

ClinVar aggregate classification (germline): Uncertain significance (1 of 4 stars; one submission).

gnomAD v4.1: 3 of 1,613,706 alleles (0.00019%); highest among the groups gnomAD compares: African/African-American, 0.004%; no homozygotes.

Submission:

Women's Health and Genetics/Laboratory Corporation of America, LabCorp
Classification: Uncertain significance. Last evaluated: 2025-05-21. Review status: criteria provided, single submitter. Criteria: LabCorp Variant Classification Summary - May 2015. Collection method: clinical testing. Allele origin: germline.
Comment: Variant summary: SYNE2 c.10978C>T (p.Gln3660X) results in a premature termination codon, predicted to cause a truncation of the encoded protein or absence of the protein due to nonsense mediated decay, however current evidence is not sufficient to establish loss of function as a mechanism for disease. The variant allele was found at a frequency of 8e-06 in 251328 control chromosomes (gnomAD). The available data on variant occurrences in the general population are insufficient to allow any conclusion about variant significance. To our knowledge, no occurrence of c.10978C>T in individuals affected with Emery-Dreifuss muscular dystrophy 5, autosomal dominant and no experimental evidence demonstrating its impact on protein function have been reported. No submitters have cited clinical-significance assessments for this variant to ClinVar. Based on the evidence outlined above, the variant was classified as uncertain significance.

NM_182914.3(SYNE2):c.10978C>T (p.Gln3660Ter)

Gene: SYNE2 (spectrin repeat containing nuclear envelope protein 2; plus strand). Cytogenetic location: 14q23.2.
Variant type: single nucleotide variant.
Coding change: c.10978C>T on transcript NM_182914.3 (MANE Select); coding-DNA position 10978, C replaced by T.
Protein change: p.Gln3660Ter; replaces glutamine 3660 with a stop codon.
Molecular consequence: nonsense.
Genome position (GRCh38, 1-based): chr14:64,076,056, C>T. VCF-style: chr14-64076056-C-T. GRCh37 (hg19) VCF-style: chr14-64542774-C-T.
Other names: c.10978C>T, p.Gln3660Ter (NM_015180.6); short protein forms Q3660*.
Identifiers: ClinVar variation 3902772 (VCV003902772.1).